The following is an entry in ClinVar:

ClinVar aggregate classification (germline): Uncertain significance (1 of 4 stars; one submission).

Conditions:
TNC-related disorder. Also called: TNC-related condition.

gnomAD v4.1: 26 of 1,614,090 alleles (0.0016%); highest among the groups gnomAD compares: South Asian, 0.016%; 1 homozygote.

Submission:

PreventionGenetics, part of Exact Sciences
Classification: Uncertain significance for TNC-related condition. Last evaluated: 2026-04-07. Review status: criteria provided, single submitter. Criteria: ACMG Guidelines, 2015. Collection method: clinical testing. Allele origin: germline.
Comment: The TNC c.624C>A variant is predicted to result in the amino acid substitution p.Asp208Glu. To our knowledge, this variant has not been reported in the literature. This variant is reported in 0.013% of alleles in individuals of South Asian descent in gnomAD. Although we suspect that this variant may be benign, at this time, the clinical significance of this variant is uncertain due to the absence of conclusive functional and genetic evidence.

NM_002160.4(TNC):c.624C>A (p.Asp208Glu)

Gene: TNC (tenascin C; minus strand). Cytogenetic location: 9q33.1.
Variant type: single nucleotide variant.
Coding change: c.624C>A on transcript NM_002160.4 (MANE Select); coding-DNA position 624, C replaced by A.
Protein change: p.Asp208Glu; replaces aspartic acid 208 with glutamic acid.
Molecular consequence: missense variant.
Genome position (GRCh38, 1-based): chr9:115,087,107, G>T on the plus strand (C>A on the coding strand, the complement: TNC is on the minus strand). VCF-style: chr9-115087107-G-T. GRCh37 (hg19) VCF-style: chr9-117849386-G-T.
Other names: c.624C>A, p.Asp208Glu (NM_001410991.1, NM_001439065.1, NM_001439066.1 and 35 more transcripts); short protein forms D208E.
Identifiers: ClinVar variation 4981248 (VCV004981248.1).